The following is an entry in ClinVar:

ClinVar aggregate classification (germline): Uncertain significance (1 of 4 stars; one submission).

Conditions:
CHARGE syndrome (CHARGE). Also called: Hittner Hirsch Kreh syndrome; CHARGE ASSOCIATION--COLOBOMA, HEART ANOMALY, CHOANAL ATRESIA, RETARDATION, GENITAL AND EAR ANOMALIES; Coloboma, heart anomaly, choanal atresia, retardation, genital and ear anomalies; CHARGE association; Hall-Hittner syndrome. Identifiers: Orphanet 138, MedGen C0265354, MONDO:0008965.

Submission:

Labcorp Genetics (formerly Invitae), Labcorp
Classification: Uncertain significance for CHARGE syndrome. Last evaluated: 2025-06-17. Review status: criteria provided, single submitter. Criteria: Invitae Variant Classification Sherloc (09022015). Collection method: clinical testing. Allele origin: germline.
Comment: This variant, c.1852_1860del, results in the deletion of 3 amino acid(s) of the SEMA3E protein (p.Gly618_Glu620del), but otherwise preserves the integrity of the reading frame. This variant is not present in population databases (gnomAD no frequency). This variant has not been reported in the literature in individuals affected with SEMA3E-related conditions. Experimental studies and prediction algorithms are not available or were not evaluated, and the functional significance of this variant is currently unknown. In summary, the available evidence is currently insufficient to determine the role of this variant in disease. Therefore, it has been classified as a Variant of Uncertain Significance.

NM_012431.3(SEMA3E):c.1852_1860del (p.Gly618_Glu620del)

Gene: SEMA3E (semaphorin 3E; minus strand). Cytogenetic location: 7q21.11.
Variant type: Deletion.
Coding change: c.1852_1860del on transcript NM_012431.3 (MANE Select); coding-DNA positions 1852 to 1860, 9 bases deleted (GGACGTGAG; older notation c.1852_1860delGGACGTGAG).
Protein change: p.Gly618_Glu620del.
Molecular consequence: inframe deletion.
Genome position (GRCh38, 1-based): chr7:83,385,309-83,385,317, CTCACGTCC deleted on the plus strand (GGACGTGAG on the coding strand, the reverse complement: SEMA3E is on the minus strand). VCF-style (leftmost placement, unchanged base first): chr7-83385308-TCTCACGTCC-T. GRCh37 (hg19) VCF-style: chr7-83014624-TCTCACGTCC-T.
Other names: c.1672_1680del, p.Gly558_Glu560del (NM_001178129.2).
Identifiers: ClinVar variation 4751847 (VCV004751847.1).